The following is an entry in ClinVar:

NM_017654.4(SAMD9):c.201A>G (p.Ile67Met)

Gene: SAMD9 (sterile alpha motif domain containing 9; minus strand). Cytogenetic location: 7q21.2.
Variant type: single nucleotide variant.
Coding change: c.201A>G on transcript NM_017654.4 (MANE Select); coding-DNA position 201, A replaced by G.
Protein change: p.Ile67Met; replaces isoleucine 67 with methionine.
Molecular consequence: missense variant.
Genome position (GRCh38, 1-based): chr7:93,105,897, T>C on the plus strand (A>G on the coding strand, the complement: SAMD9 is on the minus strand). VCF-style: chr7-93105897-T-C. GRCh37 (hg19) VCF-style: chr7-92735210-T-C.
Other names: c.201A>G, p.Ile67Met (NM_001193307.2); c.201A>G (NM_017654.3); short protein forms I67M.
Identifiers: ClinVar variation 2089317 (VCV002089317.6), dbSNP rs1391494456, ClinGen allele CA368205756.

ClinVar aggregate classification (germline): Uncertain significance. Review status: criteria provided, multiple submitters, no conflicts (2 of 4 stars). 4 submissions from 4 submitters: Uncertain significance (4). Last evaluated 2025-03-14.

Conditions:
Inborn genetic diseases. Identifiers: MedGen C0950123, MeSH D030342.

Allele frequency attached by ClinVar (database versions not stated): gnomAD 0.00001; gnomAD exomes 0.00001; TOPMed 0.00001.
gnomAD v4.1: 14 of 1,614,018 alleles (0.00087%); highest among the groups gnomAD compares: Non-Finnish European, 0.0012%; no homozygotes.

Submissions (4):

Labcorp Genetics (formerly Invitae), Labcorp
Classification: Uncertain significance. Last evaluated: 2025-03-14. Review status: criteria provided, single submitter. Criteria: Invitae Variant Classification Sherloc (09022015). Collection method: clinical testing. Allele origin: germline.
Comment: This sequence change replaces isoleucine, which is neutral and non-polar, with methionine, which is neutral and non-polar, at codon 67 of the SAMD9 protein (p.Ile67Met). This variant is not present in population databases (gnomAD no frequency). This variant has not been reported in the literature in individuals affected with SAMD9-related conditions. ClinVar contains an entry for this variant (Variation ID: 2089317). Invitae Evidence Modeling of protein sequence and biophysical properties (such as structural, functional, and spatial information, amino acid conservation, physicochemical variation, residue mobility, and thermodynamic stability) has been performed for this missense variant. However, the output from this modeling did not meet the statistical confidence thresholds required to predict the impact of this variant on SAMD9 protein function. In summary, the available evidence is currently insufficient to determine the role of this variant in disease. Therefore, it has been classified as a Variant of Uncertain Significance.

Ambry Genetics
Classification: Uncertain significance for Inborn genetic diseases. Last evaluated: 2025-02-14. Review status: criteria provided, single submitter. Criteria: Ambry Variant Classification Scheme 2023. Collection method: clinical testing. Allele origin: germline.
Comment: The p.I67M variant (also known as c.201A>G), located in coding exon 1 of the SAMD9 gene, results from an A to G substitution at nucleotide position 201. The isoleucine at codon 67 is replaced by methionine, an amino acid with highly similar properties. This amino acid position is conserved. In addition, this alteration is predicted to be tolerated by in silico analysis. Based on the available evidence, the clinical significance of this variant remains unclear.

GeneDx
Classification: Uncertain significance. Last evaluated: 2024-10-07. Review status: criteria provided, single submitter. Criteria: GeneDx Variant Classification Process June 2021. Collection method: clinical testing. Allele origin: germline. Affected: yes.
Comment: Not observed at significant frequency in large population cohorts (gnomAD); In silico analysis indicates that this missense variant does not alter protein structure/function; Has not been previously published as pathogenic or benign to our knowledge

Blueprint Genetics
Classification: Uncertain significance. Last evaluated: 2021-03-12. Review status: criteria provided, single submitter. Criteria: ACMG Guidelines, 2015. Collection method: clinical testing. Allele origin: germline.